The following is an entry in ClinVar:

ClinVar aggregate classification (germline): Likely benign (1 of 4 stars; one submission).

Allele frequency attached by ClinVar (database versions not stated): TOPMed 0.00001; gnomAD 0.00005; gnomAD exomes 0.00005.
gnomAD v4.1: 75 of 1,613,670 alleles (0.0046%); highest among the groups gnomAD compares: Non-Finnish European, 0.0063%; no homozygotes.

Submission:

CeGaT Center for Human Genetics Tuebingen
Classification: Likely benign. Last evaluated: 2024-11-01. Review status: criteria provided, single submitter. Criteria: CeGaT Center For Human Genetics Tuebingen Variant Classification Criteria Version 2. Collection method: clinical testing. Allele origin: germline. Affected: yes. Observed: 2 variant alleles.
Comment: CIC: BP4, BP7

NM_001386298.1(CIC):c.6993G>A (p.Ser2331=)

Gene: CIC (capicua transcriptional repressor; plus strand). Cytogenetic location: 19q13.2.
Variant type: single nucleotide variant.
Coding change: c.6993G>A on transcript NM_001386298.1 (MANE Select); coding-DNA position 6993, G replaced by A.
Protein change: p.Ser2331=; no amino-acid change (serine 2331 retained).
Molecular consequence: synonymous variant.
Genome position (GRCh38, 1-based): chr19:42,294,243, G>A. VCF-style: chr19-42294243-G-A. GRCh37 (hg19) VCF-style: chr19-42798395-G-A.
Other names: c.6993G>A, p.Ser2331= (NM_001304815.2); c.6990G>A, p.Ser2330= (NM_001379480.1, NM_001379482.1, NM_001379483.1); c.4266G>A, p.Ser1422= (NM_001379484.1, NM_015125.5); c.4263G>A, p.Ser1421= (NM_001379485.1).
Identifiers: ClinVar variation 3024895 (VCV003024895.22), dbSNP rs918119354, ClinGen allele CA308635755.
Genomic context (GRCh38, chr19:42,294,243, plus strand): 5'-AGCACCCGAGGACCCCACCTCGCCCAAGCGCAAGATGAGAAGACGCTCCAGCTGCAGCTC[G>A]GAGCCCAACACCCCCAAGAGTGCCAAGTGCGAGGGGGACATCTTCACCTTTGACCGTACA-3'
Protein context (NP_001373227.1, residues 2321-2341): RKMRRRSSCS[Ser2331=]EPNTPKSAKC